The following is an entry in ClinVar:

ClinVar aggregate classification (germline): Uncertain significance. Review status: criteria provided, multiple submitters, no conflicts (2 of 4 stars). 3 submissions from 3 submitters: Uncertain significance (3). Last evaluated 2026-07-06.

Conditions:
Hereditary breast ovarian cancer syndrome. Also called: Hereditary breast and ovarian cancer syndrome; Hereditary breast and ovarian cancer syndrome (HBOC); Breast and ovarian cancer; Hereditary breast and/or ovarian cancer syndrome; Hereditary breast and ovarian cancer; BRCA1- and BRCA2-Associated Hereditary Breast and Ovarian Cancer. Identifiers: Orphanet 145, MedGen C0677776, MeSH D061325, MONDO:0003582. Disease mechanism: loss of function.
Hereditary cancer-predisposing syndrome. Also called: Hereditary Cancer Syndrome; Hereditary neoplastic syndrome; Neoplastic Syndromes, Hereditary; Tumor predisposition. Identifiers: Orphanet 140162, MedGen C0027672, MeSH D009386, MONDO:0015356.

Submissions (3):

Ambry Genetics
Classification: Uncertain significance for Hereditary cancer-predisposing syndrome. Last evaluated: 2026-07-06. Review status: criteria provided, single submitter. Criteria: Ambry Variant Classification Scheme 2023. Collection method: clinical testing. Allele origin: germline.
Comment: The p.E1172A variant (also known as c.3515A>C), located in coding exon 9 of the BRCA1 gene, results from an A to C substitution at nucleotide position 3515. The glutamic acid at codon 1172 is replaced by alanine, an amino acid with dissimilar properties. This amino acid position is conserved. In addition, the in silico prediction for this alteration is inconclusive. Based on the available evidence, the clinical significance of this variant remains unclear.

GeneDx
Classification: Uncertain significance. Last evaluated: 2024-05-06. Review status: criteria provided, single submitter. Criteria: GeneDx Variant Classification Process June 2021. Collection method: clinical testing. Allele origin: germline. Affected: yes.
Comment: Not observed at significant frequency in large population cohorts (gnomAD); In silico analysis supports that this missense variant has a deleterious effect on protein structure/function; Has not been previously published as pathogenic or benign to our knowledge; In silico analysis suggests this variant may impact gene splicing. In the absence of RNA/functional studies, the actual effect of this sequence change is unknown.; Also known as 3634A>C

Labcorp Genetics (formerly Invitae), Labcorp
Classification: Uncertain significance for Hereditary breast ovarian cancer syndrome. Last evaluated: 2023-08-02. Review status: criteria provided, single submitter. Criteria: Invitae Variant Classification Sherloc (09022015). Collection method: clinical testing. Allele origin: germline.
Comment: In summary, the available evidence is currently insufficient to determine the role of this variant in disease. Therefore, it has been classified as a Variant of Uncertain Significance. Algorithms developed to predict the effect of sequence changes on RNA splicing suggest that this variant may create or strengthen a splice site. Advanced modeling of protein sequence and biophysical properties (such as structural, functional, and spatial information, amino acid conservation, physicochemical variation, residue mobility, and thermodynamic stability) performed at Invitae indicates that this missense variant is not expected to disrupt BRCA1 protein function. This variant has not been reported in the literature in individuals affected with BRCA1-related conditions. This variant is not present in population databases (gnomAD no frequency). This sequence change replaces glutamic acid, which is acidic and polar, with alanine, which is neutral and non-polar, at codon 1172 of the BRCA1 protein (p.Glu1172Ala).

NM_007294.4(BRCA1):c.3515A>C (p.Glu1172Ala)

Genes: BRCA1 (BRCA1 DNA repair associated; minus strand), LOC126862571 (BRD4-independent group 4 enhancer GRCh37_chr17:41243136-41244335; plus strand). Cytogenetic location: 17q21.31.
Variant type: single nucleotide variant.
Coding change: c.3515A>C on transcript NM_007294.4 (MANE Select); coding-DNA position 3515, A replaced by C.
Protein change: p.Glu1172Ala; replaces glutamic acid 1172 with alanine.
Molecular consequence: missense variant. On other transcripts: intron variant (135).
Genome position (GRCh38, 1-based): chr17:43,092,016, T>G on the plus strand (A>C on the coding strand, the complement: BRCA1 is on the minus strand). VCF-style: chr17-43092016-T-G. GRCh37 (hg19) VCF-style: chr17-41244033-T-G.
Other names: c.3374A>C, p.Glu1125Ala (NM_001407850.1, NM_001407851.1, NM_001407852.1 and 29 more transcripts); c.3302A>C, p.Glu1101Ala (NM_001407853.1, NM_001407894.1, NM_001407895.1 and 9 more transcripts); c.3515A>C, p.Glu1172Ala (NM_001407854.1, NM_001407858.1, NM_001407859.1 and 30 more transcripts); c.3512A>C, p.Glu1171Ala (NM_001407860.1, NM_001407861.1, NM_001407587.1 and 22 more transcripts); c.3314A>C, p.Glu1105Ala (NM_001407862.1); c.3392A>C, p.Glu1131Ala (NM_001407863.1, NM_001407919.1, NM_001407937.1 and 19 more transcripts); c.3311A>C, p.Glu1104Ala (NM_001407874.1, NM_001407875.1); c.3305A>C, p.Glu1102Ala (NM_001407879.1, NM_001407881.1, NM_001407882.1 and 13 more transcripts); and 41 more; short protein forms E1084A, E1102A, E1145A, E1171A, E1172A, E304A, E1060A, E1061A.
Identifiers: ClinVar variation 2811183 (VCV002811183.5), dbSNP rs80357206, ClinGen allele CA10594942.